The following is an entry in ClinVar:

NM_006904.7(PRKDC):c.5696T>G (p.Val1899Gly)

Gene: PRKDC (protein kinase, DNA-activated, catalytic subunit; minus strand). Cytogenetic location: 8q11.21.
Variant type: single nucleotide variant.
Coding change: c.5696T>G on transcript NM_006904.7 (MANE Select); coding-DNA position 5696, T replaced by G.
Protein change: p.Val1899Gly; replaces valine 1899 with glycine.
Molecular consequence: missense variant.
Genome position (GRCh38, 1-based): chr8:47,863,453, A>C on the plus strand (T>G on the coding strand, the complement: PRKDC is on the minus strand). VCF-style: chr8-47863453-A-C. GRCh37 (hg19) VCF-style: chr8-48776014-A-C.
Other names: c.5696T>G, p.Val1899Gly (NM_001081640.2); short protein forms V1899G.
Identifiers: ClinVar variation 3225875 (VCV003225875.1), dbSNP rs2551870834, ClinGen allele CA371162941.

ClinVar aggregate classification (germline): Uncertain significance (1 of 4 stars; one submission).

Submission:

Ambry Genetics
Classification: Uncertain significance. Last evaluated: 2024-02-16. Review status: criteria provided, single submitter. Criteria: Ambry Variant Classification Scheme 2023. Collection method: clinical testing. Allele origin: germline.
Comment: The p.V1899G variant (also known as c.5696T>G), located in coding exon 42 of the PRKDC gene, results from a T to G substitution at nucleotide position 5696. The valine at codon 1899 is replaced by glycine, an amino acid with dissimilar properties. This amino acid position is conserved. Based on the available evidence, the clinical significance of this alteration remains unclear.